The following is an entry in ClinVar:

ClinVar aggregate classification (germline): Uncertain significance (1 of 4 stars; one submission).

Conditions:
Hereditary cancer-predisposing syndrome. Also called: Neoplastic Syndromes, Hereditary; Hereditary neoplastic syndrome; Tumor predisposition; Hereditary Cancer Syndrome. Identifiers: Orphanet 140162, MedGen C0027672, MeSH D009386, MONDO:0015356.

Submission:

Ambry Genetics
Classification: Uncertain significance for Hereditary cancer-predisposing syndrome. Last evaluated: 2023-01-14. Review status: criteria provided, single submitter. Criteria: Ambry Variant Classification Scheme 2023. Collection method: clinical testing. Allele origin: germline.
Comment: The p.I107L variant (also known as c.319A>C), located in coding exon 2 of the KIT gene, results from an A to C substitution at nucleotide position 319. The isoleucine at codon 107 is replaced by leucine, an amino acid with highly similar properties. This amino acid position is conserved. In addition, this alteration is predicted to be tolerated by in silico analysis. Since supporting evidence is limited at this time, the clinical significance of this alteration remains unclear.

NM_000222.3(KIT):c.319A>C (p.Ile107Leu)

Gene: KIT (KIT proto-oncogene, receptor tyrosine kinase; plus strand). Cytogenetic location: 4q12.
Variant type: single nucleotide variant.
Coding change: c.319A>C on transcript NM_000222.3 (MANE Select); coding-DNA position 319, A replaced by C.
Protein change: p.Ile107Leu; replaces isoleucine 107 with leucine.
Molecular consequence: missense variant.
Genome position (GRCh38, 1-based): chr4:54,695,763, A>C. VCF-style: chr4-54695763-A-C. GRCh37 (hg19) VCF-style: chr4-55561929-A-C.
Other names: c.319A>C, p.Ile107Leu (NM_001093772.2, NM_001385284.1, NM_001385285.1 and 4 more transcripts); short protein forms I107L.
Identifiers: ClinVar variation 2454108 (VCV002454108.2), dbSNP rs749024557, ClinGen allele CA356897319.